The following is an entry in ClinVar:

Conditions:
Breast-ovarian cancer, familial, susceptibility to, 1 (BROVCA1). Also called: BRCA1 Hereditary Breast and Ovarian Cancer; OVARIAN CANCER, SUSCEPTIBILITY TO. Identifiers: Orphanet 145, MedGen C2676676, MONDO:0011450, OMIM 604370. Disease mechanism: loss of function.

Submission:

Brotman Baty Institute, University of Washington
No classification provided (evidence only). Condition: Breast-ovarian cancer, familial 1. Review status: no classification provided. Collection method: in vitro. Allele origin: not applicable. Functional consequence: functionally_normal.
ClinVar note: "not provided" was previously submitted as the classification for the variant. However, the classification appeared to be based only on an observation of functional data so it was converted to no classification on 2025-07-30.

NM_007294.4(BRCA1):c.5467+23T>A

Gene: BRCA1 (BRCA1 DNA repair associated; minus strand). Cytogenetic location: 17q21.31.
Variant type: single nucleotide variant.
Coding change: c.5467+23T>A on transcript NM_007294.4 (MANE Select); 23 bases into the intron after coding-DNA position 5467, T replaced by A.
Molecular consequence: intron variant.
Genome position (GRCh38, 1-based): chr17:43,047,620, A>T on the plus strand (T>A on the coding strand, the complement: BRCA1 is on the minus strand). VCF-style: chr17-43047620-A-T. GRCh37 (hg19) VCF-style: chr17-41199637-A-T.
Other names: c.2014+23T>A (NM_001408458.1, NM_001408461.1, NM_001408464.1 and 7 more transcripts); c.4576+23T>A (NM_001407967.1); c.5086+23T>A (NM_001407959.1); c.5200+23T>A (NM_001407931.1, NM_001407932.1, NM_001407928.1 and 4 more transcripts); c.5323+23T>A (NM_001407747.1, NM_001407745.1, NM_001407737.1 and 18 more transcripts); c.5083+23T>A (NM_001407962.1, NM_001407960.1); c.1654+23T>A (NM_001408512.1); c.1777+23T>A (NM_001408510.1); and 83 more.
Identifiers: ClinVar variation 868948 (VCV000868948.3), dbSNP rs2050970930, ClinGen allele CA916080727.